The following is an entry in ClinVar:

NM_004606.5(TAF1):c.4811C>G (p.Thr1604Arg)

Gene: TAF1 (TATA-box binding protein associated factor 1; plus strand). Cytogenetic location: Xq13.1.
Variant type: single nucleotide variant.
Coding change: c.4811C>G on transcript NM_004606.5 (MANE Select); coding-DNA position 4811, C replaced by G.
Protein change: p.Thr1604Arg; replaces threonine 1604 with arginine.
Molecular consequence: missense variant. On other transcripts: non-coding transcript variant (9).
Genome position (GRCh38, 1-based): chrX:71,454,227, C>G. VCF-style: chrX-71454227-C-G. GRCh37 (hg19) VCF-style: chrX-70674077-C-G.
Other names: c.4811C>G, p.Thr1604Arg (NM_001286074.2); c.4748C>G, p.Thr1583Arg (NM_138923.4); short protein forms T1583R, T1604R.
Identifiers: ClinVar variation 3764132 (VCV003764132.1).

ClinVar aggregate classification (germline): Uncertain significance (1 of 4 stars; one submission).

Submission:

GeneDx
Classification: Uncertain significance. Last evaluated: 2024-08-24. Review status: criteria provided, single submitter. Criteria: GeneDx Variant Classification Process June 2021. Collection method: clinical testing. Allele origin: germline. Affected: yes.
Comment: Not observed at significant frequency in large population cohorts (gnomAD); In silico analysis supports that this missense variant has a deleterious effect on protein structure/function; Has not been previously published as pathogenic or benign to our knowledge